The following is an entry in ClinVar:

ClinVar aggregate classification (germline): Conflicting classifications of pathogenicity. Review status: criteria provided, conflicting classifications (1 of 4 stars). 2 submissions from 2 submitters: Uncertain significance (1); Likely benign (1). Last evaluated 2025-12-26.

Conditions:
Gastrointestinal stromal tumor. Also called: Gastrointestinal stroma tumor; Gastrointestinal stromal tumor, somatic. Identifiers: Orphanet 44890, MedGen C0238198, MeSH D046152, MONDO:0011719, OMIM 606764, HP:0100723.
Hereditary cancer-predisposing syndrome. Also called: Tumor predisposition; Hereditary Cancer Syndrome; Hereditary neoplastic syndrome; Neoplastic Syndromes, Hereditary. Identifiers: Orphanet 140162, MedGen C0027672, MeSH D009386, MONDO:0015356.

Submissions (2):

Ambry Genetics
Classification: Uncertain significance for Hereditary cancer-predisposing syndrome. Last evaluated: 2025-12-26. Review status: criteria provided, single submitter. Criteria: Ambry Variant Classification Scheme 2023. Collection method: clinical testing. Allele origin: germline.
Comment: The c.966C>T variant (also known as p.S322S), located in coding exon 6 of the PDGFRA gene, results from a C to T substitution at nucleotide position 966. This nucleotide substitution does not change the serine at codon 322. This nucleotide position is well conserved in available vertebrate species. In silico splice site analysis for this alteration is inconclusive. Based on the available evidence, the clinical significance of this variant remains unclear.

Labcorp Genetics (formerly Invitae), Labcorp
Classification: Likely benign for Gastrointestinal stromal tumor. Last evaluated: 2021-12-27. Review status: criteria provided, single submitter. Criteria: Invitae Variant Classification Sherloc (09022015). Collection method: clinical testing. Allele origin: germline.

NM_006206.6(PDGFRA):c.966C>T (p.Ser322=)

Gene: PDGFRA (platelet derived growth factor receptor alpha; plus strand). Cytogenetic location: 4q12.
Variant type: single nucleotide variant.
Coding change: c.966C>T on transcript NM_006206.6 (MANE Select); coding-DNA position 966, C replaced by T.
Protein change: p.Ser322=; no amino-acid change (serine 322 retained).
Molecular consequence: synonymous variant.
Genome position (GRCh38, 1-based): chr4:54,267,586, C>T. VCF-style: chr4-54267586-C-T. GRCh37 (hg19) VCF-style: chr4-55133753-C-T.
Other names: c.966C>T (NM_006206.4); c.966C>T, p.Ser322= (NM_001347827.2, NM_001347829.2); c.1041C>T, p.Ser347= (NM_001347828.2); c.1005C>T, p.Ser335= (NM_001347830.2).
Identifiers: ClinVar variation 1158543 (VCV001158543.10), dbSNP rs1350863455, ClinGen allele CA439286711.